The following is an entry in ClinVar:

NM_001081.4(CUBN):c.10759G>A (p.Gly3587Arg)

Gene: CUBN (cubilin; minus strand). Cytogenetic location: 10p13.
Variant type: single nucleotide variant.
Coding change: c.10759G>A on transcript NM_001081.4 (MANE Select); coding-DNA position 10759, G replaced by A.
Protein change: p.Gly3587Arg; replaces glycine 3587 with arginine.
Molecular consequence: missense variant.
Genome position (GRCh38, 1-based): chr10:16,828,810, C>T on the plus strand (G>A on the coding strand, the complement: CUBN is on the minus strand). VCF-style: chr10-16828810-C-T. GRCh37 (hg19) VCF-style: chr10-16870809-C-T.
Other names: p.Gly3587Arg; short protein forms G3587R.
Identifiers: ClinVar variation 299356 (VCV000299356.18), dbSNP rs201484266, ClinGen allele CA5422307.
Genomic context (GRCh38, chr10:16,828,810, plus strand): 5'-ACTCATTATTGTCTAAAAATAACAAATGGGAATATAAAATGTTTGTTTTACTCACGCCTC[C>T]GCAGTATGGTCCAGAGGATGGAGAGCTGGCGTTGGGCCCATCATAGAGTGTGAGATAGTT-3'
Protein context (NP_001072.2, residues 3577-3597): ASSPSSGPYC[Gly3587Arg]GDTSIAPFVA

ClinVar aggregate classification (germline): Benign/Likely benign. Review status: criteria provided, multiple submitters, no conflicts (2 of 4 stars). 5 submissions from 5 submitters: Benign (2); Likely benign (2). 1 of the submissions does not count toward it. Last evaluated 2025-10-02.

Conditions:
Imerslund-Grasbeck syndrome type 1 (IGS1). Also called: Megaloblastic anemia 1, Finnish type; MEGALOBLASTIC ANEMIA, 1; Imerslund-Gräsbeck syndrome 1. Identifiers: MedGen C4016819, MONDO:0100156, OMIM 261100.
CUBN-related disorder. Also called: CUBN-related condition.
Imerslund-Grasbeck syndrome. Also called: Megaloblastic anemia due to inborn errors of metabolism; Imerslund-Gräsbeck syndrome; ENTEROCYTE COBALAMIN MALABSORPTION; ENTEROCYTE INTRINSIC FACTOR RECEPTOR, DEFECT OF; PERNICIOUS ANEMIA, JUVENILE, DUE TO SELECTIVE INTESTINAL MALABSORPTION OF VITAMIN B12, WITH PROTEINURIA. Identifiers: Orphanet 35858, MedGen C4551825, MONDO:0009853.

Allele frequency attached by ClinVar (database versions not stated): gnomAD 0.00010 and 0.00029; gnomAD exomes 0.00057 and 0.00114; 1000 Genomes Project 30x 0.00094; 1000 Genomes Project 0.00100; TOPMed 0.00013; ExAC 0.00133.
gnomAD v4.1: 877 of 1,605,630 alleles (0.055%); highest among the groups gnomAD compares: South Asian, 0.78%; 14 homozygotes.

Submissions (6):

Labcorp Genetics (formerly Invitae), Labcorp
Classification: Benign for Imerslund-Grasbeck syndrome. Last evaluated: 2025-10-02. Review status: criteria provided, single submitter. Criteria: Invitae Variant Classification Sherloc (09022015). Collection method: clinical testing. Allele origin: germline.

Mayo Clinic Laboratories, Mayo Clinic
Classification: Benign. Last evaluated: 2025-06-13. Review status: criteria provided, single submitter. Criteria: ACMG Guidelines, 2015. Collection method: clinical testing. Allele origin: germline. Observed: 2 variant alleles.
Comment: BS1, BS2

Illumina Laboratory Services, Illumina
Classification: Likely benign for Imerslund-Grasbeck syndrome type 1. Last evaluated: 2018-01-13. Review status: criteria provided, single submitter. Criteria: ICSL Variant Classification Criteria 13 December 2019. Collection method: clinical testing. Allele origin: germline.
Comment: This variant was observed in the ICSL laboratory as part of a predisposition screen in an ostensibly healthy population. It had not been previously curated by ICSL or reported in the Human Gene Mutation Database (HGMD: prior to June 1st, 2018), and was therefore a candidate for classification through an automated scoring system. Utilizing variant allele frequency, disease prevalence and penetrance estimates, and inheritance mode, an automated score was calculated to assess if this variant is too frequent to cause the disease. Based on the score and internal cut-off values, a variant classified as likely benign is not then subjected to further curation. The score for this variant resulted in a classification of likely benign for this disease.

Breakthrough Genomics
Classification: Likely benign. Review status: criteria provided, single submitter. Criteria: ACMG Guidelines, 2015. Collection method: not provided. Allele origin: germline. Inheritance: Autosomal recessive inheritance. Affected: yes.

PreventionGenetics, part of Exact Sciences
Classification: Likely benign for CUBN-related condition. Last evaluated: 2021-07-31. Review status: no assertion criteria provided. Collection method: clinical testing. Allele origin: germline. Not counted in ClinVar's aggregate classification.
Comment: This variant is classified as likely benign based on ACMG/AMP sequence variant interpretation guidelines (Richards et al. 2015 PMID: 25741868, with internal and published modifications).

Dr. Peter K. Rogan Lab, Western University
No classification provided (evidence only). Condition: Clear cell carcinoma of kidney. Review status: no classification provided. Collection method: in vitro. Allele origin: not applicable. Functional consequence: skipped exon. Not counted in ClinVar's aggregate classification.

Literature cited by the submitters: PubMed 26827111 (cited by Mayo Clinic Laboratories, Mayo Clinic).